The following is an entry in ClinVar:

NM_014241.4(HACD1):c.2T>G (p.Met1Arg)

Genes: HACD1 (3-hydroxyacyl-CoA dehydratase 1; minus strand), LOC130003454 (ATAC-STARR-seq lymphoblastoid silent region 2183; plus strand). Cytogenetic location: 10p12.33.
Variant type: single nucleotide variant.
Coding change: c.2T>G on transcript NM_014241.4 (MANE Select); coding-DNA position 2, T replaced by G.
Protein change: p.Met1Arg; changes the start codon (methionine 1).
Molecular consequence: missense variant, initiator codon variant.
Genome position (GRCh38, 1-based): chr10:17,617,338, A>C on the plus strand (T>G on the coding strand, the complement: HACD1 is on the minus strand). VCF-style: chr10-17617338-A-C. GRCh37 (hg19) VCF-style: chr10-17659337-A-C.
Other names: short protein forms M1R.
Identifiers: ClinVar variation 1507888 (VCV001507888.6), dbSNP rs1446523366, ClinGen allele CA376209326.

ClinVar aggregate classification (germline): Uncertain significance (1 of 4 stars; one submission).

Submission:

Labcorp Genetics (formerly Invitae), Labcorp
Classification: Uncertain significance. Last evaluated: 2022-07-19. Review status: criteria provided, single submitter. Criteria: Invitae Variant Classification Sherloc (09022015). Collection method: clinical testing. Allele origin: germline.
Comment: ClinVar contains an entry for this variant (Variation ID: 1507888). This variant has not been reported in the literature in individuals affected with HACD1-related conditions. This variant is not present in population databases (gnomAD no frequency). This sequence change affects the initiator methionine of the HACD1 mRNA. The next in-frame methionine is located at codon 40. In summary, the available evidence is currently insufficient to determine the role of this variant in disease. Therefore, it has been classified as a Variant of Uncertain Significance. Algorithms developed to predict the effect of sequence changes on RNA splicing suggest that this variant may create or strengthen a splice site. Experimental studies and prediction algorithms are not available or were not evaluated, and the functional significance of this variant is currently unknown.